The following is an entry in ClinVar:

ClinVar aggregate classification (germline): Pathogenic (1 of 4 stars; one submission).

Conditions:
Hereditary cancer-predisposing syndrome. Also called: Hereditary Cancer Syndrome; Tumor predisposition; Hereditary neoplastic syndrome; Neoplastic Syndromes, Hereditary. Identifiers: Orphanet 140162, MedGen C0027672, MeSH D009386, MONDO:0015356.

Submission:

Ambry Genetics
Classification: Pathogenic for Hereditary cancer-predisposing syndrome. Last evaluated: 2024-09-14. Review status: criteria provided, single submitter. Criteria: Ambry Variant Classification Scheme 2023. Collection method: clinical testing. Allele origin: germline.
Comment: The c.1545delG pathogenic mutation, located in coding exon 4 of the MSH6 gene, results from a deletion of one nucleotide at nucleotide position 1545, causing a translational frameshift with a predicted alternate stop codon (p.I516Sfs*55). This variant is considered to be rare based on population cohorts in the Genome Aggregation Database (gnomAD). This alteration is expected to result in loss of function by premature protein truncation or nonsense-mediated mRNA decay. As such, this alteration is interpreted as a disease-causing mutation.

NM_000179.3(MSH6):c.1545del (p.Ile516fs)

Gene: MSH6 (mutS homolog 6; plus strand). Cytogenetic location: 2p16.3.
Variant type: Deletion.
Coding change: c.1545del on transcript NM_000179.3 (MANE Select); coding-DNA position 1545, one base deleted (G; older notation c.1545delG).
Protein change: p.Ile516fs; shifts the reading frame from isoleucine 516.
Molecular consequence: frameshift variant. On other transcripts: non-coding transcript variant (4), intron variant (1).
Genome position (GRCh38, 1-based): chr2:47,799,528, G deleted; the last of 2 consecutive G bases (chr2:47,799,527-47,799,528); deleting either gives the same sequence. VCF-style (leftmost placement, unchanged base first): chr2-47799526-AG-A. GRCh37 (hg19) VCF-style: chr2-48026665-AG-A.
Other names: c.1155del, p.Ile386fs (NM_001281492.2); c.639del, p.Ile214fs (NM_001281493.2, NM_001281494.2, NM_001406811.1 and 6 more transcripts); c.1641del, p.Ile548fs (NM_001406795.1, NM_001406802.1); c.1545del, p.Ile516fs (NM_001406796.1, NM_001406798.1, NM_001406800.1 and 4 more transcripts); c.1248del, p.Ile417fs (NM_001406797.1, NM_001406801.1, NM_001406805.1 and 10 more transcripts); c.1020del, p.Ile341fs (NM_001406799.1, NM_001406806.1, NM_001406807.1); c.1467del, p.Ile490fs (NM_001406804.1); c.1551del, p.Ile518fs (NM_001406813.1); and 2 more; short protein forms I386fs, I490fs, I548fs, I417fs, I518fs, I214fs, I341fs, I460fs.
Identifiers: ClinVar variation 3398909 (VCV003398909.1).